The following is an entry in ClinVar:

NM_002206.3(ITGA7):c.2483G>A (p.Arg828Lys)

Genes: ITGA7 (integrin subunit alpha 7; minus strand), LOC126861535 (CDK7 strongly-dependent group 2 enhancer GRCh37_chr12:56087579-56088778; plus strand). Cytogenetic location: 12q13.2.
Variant type: single nucleotide variant.
Coding change: c.2483G>A on transcript NM_002206.3 (MANE Select); coding-DNA position 2483, G replaced by A.
Protein change: p.Arg828Lys; replaces arginine 828 with lysine.
Molecular consequence: missense variant.
Genome position (GRCh38, 1-based): chr12:55,694,073, C>T on the plus strand (G>A on the coding strand, the complement: ITGA7 is on the minus strand). VCF-style: chr12-55694073-C-T. GRCh37 (hg19) VCF-style: chr12-56087857-C-T.
Other names: c.2495G>A, p.Arg832Lys (NM_001144996.2); c.2204G>A, p.Arg735Lys (NM_001144997.2); c.2156G>A, p.Arg719Lys (NM_001367993.1); c.1139G>A, p.Arg380Lys (NM_001367994.1); c.2465G>A, p.Arg822Lys (NM_001374465.1); c.2615G>A, p.Arg872Lys (NM_001410977.1); c.2477G>A, p.Arg826Lys (NM_001414029.1); c.2408G>A, p.Arg803Lys (NM_001414030.1); and 5 more; short protein forms R380K, R715K, R799K, R822K, R826K, R872K, R788K, R828K.
Identifiers: ClinVar variation 2071730 (VCV002071730.4), dbSNP rs1184189743, ClinGen allele CA385182536.
Genomic context (GRCh38, chr12:55,694,073, plus strand): 5'-ACACTTACCGTGACCTCATACTTGACCTTGCTGCCCACATCCCGCTCAGACTGCATGGCT[C>T]TCTCGCCCCTCACCACACCAGAGAAGAAGAGTTGCTGGGGAATGGCCATTCTGGCGTGGA-3'
Protein context (NP_002197.2, residues 818-838): LFFSGVVRGE[Arg828Lys]AMQSERDVGS

ClinVar aggregate classification (germline): Uncertain significance (1 of 4 stars; one submission).

Conditions:
Congenital muscular dystrophy due to integrin alpha-7 deficiency. Also called: MYOPATHY, CONGENITAL, DUE TO INTEGRIN ALPHA-7 DEFICIENCY; Congenital muscular dystrophy with integrin alpha-7 deficiency; Muscular dystrophy, congenital, due to ITGA7 deficiency. Identifiers: Orphanet 34520, MedGen C2750786, MONDO:0013177, OMIM 613204.

Submission:

Labcorp Genetics (formerly Invitae), Labcorp
Classification: Uncertain significance for Congenital muscular dystrophy due to integrin alpha-7 deficiency. Last evaluated: 2022-07-12. Review status: criteria provided, single submitter. Criteria: Invitae Variant Classification Sherloc (09022015). Collection method: clinical testing. Allele origin: germline.
Comment: In summary, the available evidence is currently insufficient to determine the role of this variant in disease. Therefore, it has been classified as a Variant of Uncertain Significance. Algorithms developed to predict the effect of missense changes on protein structure and function (SIFT, PolyPhen-2, Align-GVGD) all suggest that this variant is likely to be tolerated. This variant has not been reported in the literature in individuals affected with ITGA7-related conditions. This variant is not present in population databases (gnomAD no frequency). This sequence change replaces arginine, which is basic and polar, with lysine, which is basic and polar, at codon 828 of the ITGA7 protein (p.Arg828Lys).